The following is an entry in ClinVar:

ClinVar aggregate classification (germline): Uncertain significance (1 of 4 stars; one submission).

Conditions:
Tuberous sclerosis 1 (TSC1). Identifiers: Orphanet 805, MedGen C1854465, MONDO:0008612, OMIM 191100.

Submission:

Labcorp Genetics (formerly Invitae), Labcorp
Classification: Uncertain significance for Tuberous sclerosis 1. Last evaluated: 2017-09-18. Review status: criteria provided, single submitter. Criteria: Invitae Variant Classification Sherloc (09022015). Collection method: clinical testing. Allele origin: germline.
Comment: This sequence change results in a premature translational stop signal in the TSC1 gene (p.Arg992Glyfs*14). While this is not anticipated to result in nonsense mediated decay, it is expected to disrupt the last 173 amino acids of the TSC1 protein. This variant is not present in population databases (ExAC no frequency). This variant has not been reported in the literature in individuals with TSC1-related disease. In summary, the available evidence is currently insufficient to determine the role of this variant in disease. Therefore, it has been classified as a Variant of Uncertain Significance. Although functional studies have not been done for this particular variant, experimental studies have shown that deletion of exon 23 (the last 172 amino acids) of the TSC1 protein decreases the protein stability and its interaction with TSC2, but has no effect on the downstream S6K signaling (PMID: 24714658).

Literature cited by the submitters: PubMed 24714658.

NM_000368.5(TSC1):c.2974del (p.Arg992fs)

Gene: TSC1 (TSC complex subunit 1; minus strand). Cytogenetic location: 9q34.13.
Variant type: Deletion.
Coding change: c.2974del on transcript NM_000368.5 (MANE Select); coding-DNA position 2974, one base deleted (A; older notation c.2974delA).
Protein change: p.Arg992fs; shifts the reading frame from arginine 992.
Molecular consequence: frameshift variant.
Genome position (GRCh38, 1-based): chr9:132,897,185, T deleted on the plus strand (A on the coding strand, the reverse complement: TSC1 is on the minus strand); the first of 3 consecutive T bases (chr9:132,897,185-132,897,187); deleting any one gives the same sequence. VCF-style (leftmost placement, unchanged base first): chr9-132897184-CT-C. GRCh37 (hg19) VCF-style: chr9-135772571-CT-C.
Other names: c.2974delA (NM_000368.4); c.2971del, p.Arg991fs (NM_001162426.2); c.2821del, p.Arg941fs (NM_001162427.2); c.2611del, p.Arg871fs (NM_001362177.2); short protein forms R941fs, R871fs, R991fs, R992fs.
Identifiers: ClinVar variation 534454 (VCV000534454.8), dbSNP rs1554813210, ClinGen allele CA658797310.